The following is an entry in ClinVar:

ClinVar aggregate classification (germline): Uncertain significance. Review status: criteria provided, multiple submitters, no conflicts (2 of 4 stars). 2 submissions from 2 submitters: Uncertain significance (2). Last evaluated 2024-02-24.

Allele frequency attached by ClinVar (database versions not stated): gnomAD exomes below 0.00001.
gnomAD v4.1: 1 of 1,613,812 alleles (0.000062%); highest among the groups gnomAD compares: Admixed American, 0.0017%; no homozygotes.

Submissions (2):

Labcorp Genetics (formerly Invitae), Labcorp
Classification: Uncertain significance. Last evaluated: 2024-02-24. Review status: criteria provided, single submitter. Criteria: Invitae Variant Classification Sherloc (09022015). Collection method: clinical testing. Allele origin: germline.
Comment: This sequence change replaces asparagine, which is neutral and polar, with threonine, which is neutral and polar, at codon 85 of the CIB2 protein (p.Asn85Thr). This variant is not present in population databases (gnomAD no frequency). This variant has not been reported in the literature in individuals affected with CIB2-related conditions. ClinVar contains an entry for this variant (Variation ID: 959216). An algorithm developed to predict the effect of missense changes on protein structure and function (PolyPhen-2) suggests that this variant is likely to be tolerated. In summary, the available evidence is currently insufficient to determine the role of this variant in disease. Therefore, it has been classified as a Variant of Uncertain Significance.

Blueprint Genetics
Classification: Uncertain significance. Last evaluated: 2023-03-31. Review status: criteria provided, single submitter. Criteria: ACMG Guidelines, 2015. Collection method: clinical testing. Allele origin: germline.

NM_006383.4(CIB2):c.254A>C (p.Asn85Thr)

Gene: CIB2 (calcium and integrin binding family member 2; minus strand). Cytogenetic location: 15q25.1.
Variant type: single nucleotide variant.
Coding change: c.254A>C on transcript NM_006383.4 (MANE Select); coding-DNA position 254, A replaced by C.
Protein change: p.Asn85Thr; replaces asparagine 85 with threonine.
Molecular consequence: missense variant. On other transcripts: non-coding transcript variant (1).
Genome position (GRCh38, 1-based): chr15:78,109,327, T>G on the plus strand (A>C on the coding strand, the complement: CIB2 is on the minus strand). VCF-style: chr15-78109327-T-G. GRCh37 (hg19) VCF-style: chr15-78401669-T-G.
Other names: c.125A>C, p.Asn42Thr (NM_001271888.2); c.107A>C, p.Asn36Thr (NM_001271889.2); c.269A>C, p.Asn90Thr (NM_001301224.2); short protein forms N36T, N85T, N90T, N42T.
Identifiers: ClinVar variation 959216 (VCV000959216.10), dbSNP rs2074119737, ClinGen allele CA393546947.